The following is an entry in ClinVar:

ClinVar aggregate classification (germline): Uncertain significance (1 of 4 stars; one submission).

Allele frequency attached by ClinVar (database versions not stated): gnomAD exomes 0.00002.
gnomAD v4.1: 24 of 1,552,608 alleles (0.0015%); highest among the groups gnomAD compares: Non-Finnish European, 0.0021%; no homozygotes.

Submission:

Labcorp Genetics (formerly Invitae), Labcorp
Classification: Uncertain significance. Last evaluated: 2026-02-02. Review status: criteria provided, single submitter. Criteria: Invitae Variant Classification Sherloc (09022015). Collection method: clinical testing. Allele origin: germline.
Comment: This sequence change replaces lysine, which is basic and polar, with asparagine, which is neutral and polar, at codon 4837 of the ADGRV1 protein (p.Lys4837Asn). This variant is not present in population databases (gnomAD no frequency). This variant has not been reported in the literature in individuals affected with ADGRV1-related conditions. ClinVar contains an entry for this variant (Variation ID: 1366025). Invitae Evidence Modeling of protein sequence and biophysical properties (such as structural, functional, and spatial information, amino acid conservation, physicochemical variation, residue mobility, and thermodynamic stability) indicates that this missense variant is not expected to disrupt ADGRV1 protein function with a negative predictive value of 95%. In summary, the available evidence is currently insufficient to determine the role of this variant in disease. Therefore, it has been classified as a Variant of Uncertain Significance.

NM_032119.4(ADGRV1):c.14511G>T (p.Lys4837Asn)

Gene: ADGRV1 (adhesion G protein-coupled receptor V1; plus strand). Cytogenetic location: 5q14.3.
Variant type: single nucleotide variant.
Coding change: c.14511G>T on transcript NM_032119.4 (MANE Select); coding-DNA position 14511, G replaced by T.
Protein change: p.Lys4837Asn; replaces lysine 4837 with asparagine.
Molecular consequence: missense variant. On other transcripts: non-coding transcript variant (1).
Genome position (GRCh38, 1-based): chr5:90,791,340, G>T. VCF-style: chr5-90791340-G-T. GRCh37 (hg19) VCF-style: chr5-90087157-G-T.
Other names: short protein forms K4837N.
Identifiers: ClinVar variation 1366025 (VCV001366025.6), dbSNP rs1760057497, ClinGen allele CA360402262.